The following is an entry in ClinVar:

ClinVar aggregate classification (germline): Conflicting classifications of pathogenicity. Review status: criteria provided, conflicting classifications (1 of 4 stars). 2 submissions from 2 submitters: Uncertain significance (1); Likely benign (1). Last evaluated 2026-04-22.

Conditions:
Hereditary cancer-predisposing syndrome. Also called: Hereditary neoplastic syndrome; Neoplastic Syndromes, Hereditary; Tumor predisposition; Hereditary Cancer Syndrome. Identifiers: Orphanet 140162, MedGen C0027672, MeSH D009386, MONDO:0015356.
Hereditary breast ovarian cancer syndrome. Also called: Hereditary breast and ovarian cancer syndrome; Hereditary breast and/or ovarian cancer syndrome; Hereditary breast and ovarian cancer; Hereditary breast and ovarian cancer syndrome (HBOC); BRCA1- and BRCA2-Associated Hereditary Breast and Ovarian Cancer; Breast and ovarian cancer. Identifiers: Orphanet 145, MedGen C0677776, MeSH D061325, MONDO:0003582. Disease mechanism: loss of function.

Allele frequency attached by ClinVar (database versions not stated): gnomAD exomes below 0.00001.
gnomAD v4.1: 1 of 1,614,144 alleles (0.000062%); highest among the groups gnomAD compares: Non-Finnish European, 0.000085%; no homozygotes.

Submissions (2):

Ambry Genetics
Classification: Likely benign for Hereditary cancer-predisposing syndrome. Last evaluated: 2026-04-22. Review status: criteria provided, single submitter. Criteria: Ambry Variant Classification Scheme 2023. Collection method: clinical testing. Allele origin: germline.

Labcorp Genetics (formerly Invitae), Labcorp
Classification: Uncertain significance for Hereditary breast ovarian cancer syndrome. Last evaluated: 2023-12-18. Review status: criteria provided, single submitter. Criteria: Invitae Variant Classification Sherloc (09022015). Collection method: clinical testing. Allele origin: germline.
Comment: This sequence change replaces isoleucine, which is neutral and non-polar, with valine, which is neutral and non-polar, at codon 3207 of the BRCA2 protein (p.Ile3207Val). This variant is not present in population databases (gnomAD no frequency). This variant has not been reported in the literature in individuals affected with BRCA2-related conditions. ClinVar contains an entry for this variant (Variation ID: 1021831). Advanced modeling of protein sequence and biophysical properties (such as structural, functional, and spatial information, amino acid conservation, physicochemical variation, residue mobility, and thermodynamic stability) performed at Invitae indicates that this missense variant is not expected to disrupt BRCA2 protein function with a negative predictive value of 95%. In summary, the available evidence is currently insufficient to determine the role of this variant in disease. Therefore, it has been classified as a Variant of Uncertain Significance.

NM_000059.4(BRCA2):c.9619A>G (p.Ile3207Val)

Gene: BRCA2 (BRCA2 DNA repair associated; plus strand). Cytogenetic location: 13q13.1.
Variant type: single nucleotide variant.
Coding change: c.9619A>G on transcript NM_000059.4 (MANE Select); coding-DNA position 9619, A replaced by G.
Protein change: p.Ile3207Val; replaces isoleucine 3207 with valine.
Molecular consequence: missense variant.
Genome position (GRCh38, 1-based): chr13:32,397,015, A>G. VCF-style: chr13-32397015-A-G. GRCh37 (hg19) VCF-style: chr13-32971152-A-G.
Other names: c.9619A>G (NM_000059.3); short protein forms I3207V.
Identifiers: ClinVar variation 1021831 (VCV001021831.10), dbSNP rs1057520802, ClinGen allele CA387763687.